The following is an entry in ClinVar:

ClinVar aggregate classification (germline): Uncertain significance (1 of 4 stars; one submission).

Allele frequency attached by ClinVar (database versions not stated): gnomAD exomes below 0.00001; ExAC 0.00001; TOPMed 0.00002.
gnomAD v4.1: 8 of 1,614,078 alleles (0.0005%); highest among the groups gnomAD compares: Middle Eastern, 0.016%; no homozygotes.

Submission:

Labcorp Genetics (formerly Invitae), Labcorp
Classification: Uncertain significance. Last evaluated: 2025-05-12. Review status: criteria provided, single submitter. Criteria: Invitae Variant Classification Sherloc (09022015). Collection method: clinical testing. Allele origin: germline.
Comment: This sequence change replaces arginine, which is basic and polar, with glutamine, which is neutral and polar, at codon 986 of the FLNB protein (p.Arg986Gln). This variant is present in population databases (rs779247120, gnomAD 0.003%). This variant has not been reported in the literature in individuals affected with FLNB-related conditions. ClinVar contains an entry for this variant (Variation ID: 1990980). Invitae Evidence Modeling of protein sequence and biophysical properties (such as structural, functional, and spatial information, amino acid conservation, physicochemical variation, residue mobility, and thermodynamic stability) indicates that this missense variant is not expected to disrupt FLNB protein function with a negative predictive value of 95%. In summary, the available evidence is currently insufficient to determine the role of this variant in disease. Therefore, it has been classified as a Variant of Uncertain Significance.

NM_001457.4(FLNB):c.2957G>A (p.Arg986Gln)

Gene: FLNB (filamin B; plus strand). Cytogenetic location: 3p14.3.
Variant type: single nucleotide variant.
Coding change: c.2957G>A on transcript NM_001457.4 (MANE Select); coding-DNA position 2957, G replaced by A.
Protein change: p.Arg986Gln; replaces arginine 986 with glutamine.
Molecular consequence: missense variant.
Genome position (GRCh38, 1-based): chr3:58,121,334, G>A. VCF-style: chr3-58121334-G-A. GRCh37 (hg19) VCF-style: chr3-58107061-G-A.
Other names: c.2957G>A, p.Arg986Gln (NM_001164317.2, NM_001164318.2, NM_001164319.2); short protein forms R986Q.
Identifiers: ClinVar variation 1990980 (VCV001990980.4), dbSNP rs779247120, ClinGen allele CA2468289.